The following is an entry in ClinVar:

ClinVar aggregate classification (germline): Uncertain significance (0 of 4 stars; one submission).

Conditions:
KIDINS220-related disorder. Also called: KIDINS220-related condition.

gnomAD v4.1: 3 of 1,602,178 alleles (0.00019%); highest among the groups gnomAD compares: Admixed American, 0.0052%; no homozygotes.

Submission:

PreventionGenetics, part of Exact Sciences
Classification: Uncertain significance for KIDINS220-related condition. Last evaluated: 2024-05-01. Review status: no assertion criteria provided. Collection method: clinical testing. Allele origin: germline.
Comment: The KIDINS220 c.3454C>T variant is predicted to result in the amino acid substitution p.Pro1152Ser. To our knowledge, this variant has not been reported in the literature. This variant is reported in 1 allele globally in the gnomAD dataset. At this time, the clinical significance of this variant is uncertain due to the absence of conclusive functional and genetic evidence.

NM_020738.4(KIDINS220):c.3454C>T (p.Pro1152Ser)

Gene: KIDINS220 (kinase D interacting substrate 220; minus strand). Cytogenetic location: 2p25.1.
Variant type: single nucleotide variant.
Coding change: c.3454C>T on transcript NM_020738.4 (MANE Select); coding-DNA position 3454, C replaced by T.
Protein change: p.Pro1152Ser; replaces proline 1152 with serine.
Molecular consequence: missense variant. On other transcripts: non-coding transcript variant (1), intron variant (8).
Genome position (GRCh38, 1-based): chr2:8,747,961, G>A on the plus strand (C>T on the coding strand, the complement: KIDINS220 is on the minus strand). VCF-style: chr2-8747961-G-A. GRCh37 (hg19) VCF-style: chr2-8888091-G-A.
Other names: c.3457C>T, p.Pro1153Ser (NM_001348729.2, NM_001348731.2); c.3454C>T, p.Pro1152Ser (NM_001348732.2, NM_001348738.2); c.3414+2151C>T (NM_001348741.2, NM_001348742.2, NM_001348743.2 and 1 more transcripts); c.3417+2151C>T (NM_001348739.2, NM_001348740.2, NM_001348734.2); c.3288+2151C>T (NM_001348736.2); short protein forms P1152S, P1153S.
Identifiers: ClinVar variation 3352090 (VCV003352090.1).